The following is an entry in ClinVar:

ClinVar aggregate classification (germline): Pathogenic (1 of 4 stars; one submission).

Conditions:
Nemaline myopathy 2 (NEM2). Also called: Nemaline myopathy 2, autosomal recessive. Identifiers: MedGen C1850569, MONDO:0009725, OMIM 256030.

Submission:

Labcorp Genetics (formerly Invitae), Labcorp
Classification: Pathogenic for Nemaline myopathy 2. Last evaluated: 2023-03-13. Review status: criteria provided, single submitter. Criteria: Invitae Variant Classification Sherloc (09022015). Collection method: clinical testing. Allele origin: germline.
Comment: For these reasons, this variant has been classified as Pathogenic. This variant has not been reported in the literature in individuals affected with NEB-related conditions. This sequence change creates a premature translational stop signal (p.Ile1518Tyrfs*2) in the NEB gene. It is expected to result in an absent or disrupted protein product. Loss-of-function variants in NEB are known to be pathogenic (PMID: 25205138). This variant is not present in population databases (gnomAD no frequency).

Literature cited by the submitters: PubMed 25205138.

NM_001164508.2(NEB):c.4550dup (p.Ile1518fs)

Gene: NEB (nebulin; minus strand). Cytogenetic location: 2q23.3.
Variant type: Duplication.
Coding change: c.4550dup on transcript NM_001164508.2 (MANE Select); coding-DNA position 4550, one base duplicated (C; older notation c.4550dupC).
Protein change: p.Ile1518fs; shifts the reading frame from isoleucine 1518.
Molecular consequence: frameshift variant.
Genome position (GRCh38, 1-based): chr2:151,669,088, G duplicated on the plus strand (C on the coding strand, the reverse complement: NEB is on the minus strand). VCF-style (leftmost placement, unchanged base first): chr2-151669087-A-AG. GRCh37 (hg19) VCF-style: chr2-152525601-A-AG.
Other names: c.4550dup, p.Ile1518fs (NM_001164507.2, NM_001271208.2, NM_004543.5); short protein forms I1518fs.
Identifiers: ClinVar variation 2845345 (VCV002845345.3), dbSNP rs2552259329, ClinGen allele CA2739271419.
Genomic context (GRCh38, chr2:151,669,087, plus strand): 5'-ATCACTCATGTTGAGGGCGTTGACTTTGGCTTGAATAAACTGAGGCAATTCAGGGTCAAT[A>AG]GTATACTTGTGCTTCAGTTTCTCTCCCTCTACCTTGTAGTTCAACTAAAAACAAAGGAGA-3'